The following is an entry in ClinVar:

NM_000535.7(PMS2):c.166C>A (p.Leu56Ile)

Gene: PMS2 (PMS1 homolog 2, mismatch repair system component; minus strand). Cytogenetic location: 7p22.1.
Variant type: single nucleotide variant.
Coding change: c.166C>A on transcript NM_000535.7 (MANE Select); coding-DNA position 166, C replaced by A.
Protein change: p.Leu56Ile; replaces leucine 56 with isoleucine.
Molecular consequence: missense variant. On other transcripts: 5 prime UTR variant (11), non-coding transcript variant (1).
Genome position (GRCh38, 1-based): chr7:6,004,056, G>T on the plus strand (C>A on the coding strand, the complement: PMS2 is on the minus strand). VCF-style: chr7-6004056-G-T. GRCh37 (hg19) VCF-style: chr7-6043687-G-T.
Other names: c.-240C>A (NM_001322003.2, NM_001322004.2, NM_001322005.2 and 3 more transcripts); c.166C>A, p.Leu56Ile (NM_001322006.2, NM_001322014.2); c.-50C>A (NM_001322007.2, NM_001322008.2); c.-719C>A (NM_001322011.2, NM_001322012.2); c.-319C>A (NM_001322015.2); short protein forms L56I.
Identifiers: ClinVar variation 1476596 (VCV001476596.14), dbSNP rs371011390, ClinGen allele CA366744931.
Genomic context (GRCh38, chr7:6,004,056, plus strand): 5'-CTACCCCACATCCATTGTCTGAAACTTCAATAAGATCCACTCCATAGTCCTTAAGCTTTA[G>T]ATCTAGAAAGTTTAAAATATTTACATATTTATTAAAAACGGACCCATGCTATCAGTTTTT-3'
Protein context (NP_000526.2, residues 46-66): SLDAGATNID[Leu56Ile]KLKDYGVDLI

ClinVar aggregate classification (germline): Uncertain significance. Review status: criteria provided, multiple submitters, no conflicts (2 of 4 stars). 2 submissions from 2 submitters: Uncertain significance (2). Last evaluated 2025-08-13.

Conditions:
Hereditary nonpolyposis colorectal neoplasms. Identifiers: MedGen C0009405, MeSH D003123.

Submissions (2):

Labcorp Genetics (formerly Invitae), Labcorp
Classification: Uncertain significance for Hereditary nonpolyposis colorectal neoplasms. Last evaluated: 2025-08-13. Review status: criteria provided, single submitter. Criteria: Invitae Variant Classification Sherloc (09022015). Collection method: clinical testing. Allele origin: germline.
Comment: This sequence change replaces leucine, which is neutral and non-polar, with isoleucine, which is neutral and non-polar, at codon 56 of the PMS2 protein (p.Leu56Ile). This variant is not present in population databases (gnomAD no frequency). This variant has not been reported in the literature in individuals affected with PMS2-related conditions. ClinVar contains an entry for this variant (Variation ID: 1476596). Invitae Evidence Modeling incorporating data from in vitro experimental studies (internal data) indicates that this missense variant is not expected to disrupt PMS2 function with a negative predictive value of 95%. In summary, the available evidence is currently insufficient to determine the role of this variant in disease. Therefore, it has been classified as a Variant of Uncertain Significance.

Center for Genomic Medicine, Rigshospitalet, Copenhagen University Hospital
Classification: Uncertain significance. Last evaluated: 2025-03-04. Review status: criteria provided, single submitter. Criteria: ACMG Guidelines, 2015. Collection method: clinical testing. Allele origin: germline.